The following is an entry in ClinVar:

ClinVar aggregate classification (germline): Pathogenic/Likely pathogenic. Review status: criteria provided, multiple submitters, no conflicts (2 of 4 stars). 3 submissions from 3 submitters: Pathogenic (1); Likely pathogenic (2). Last evaluated 2026-09-08.

Conditions:
Fabry disease. Also called: Fabry's disease; ALPHA-GALACTOSIDASE A DEFICIENCY; ANDERSON-FABRY DISEASE; CERAMIDE TRIHEXOSIDASE DEFICIENCY; Ceramide trihexosidosis; GLA DEFICIENCY. Identifiers: Orphanet 324, MedGen C0002986, MONDO:0010526, OMIM 301500, HP:0001071. Disease mechanism: Fabry disease is due to inactivating mutations in the X-linked GLA gene resulting in deficiency of the enzyme Alpha Galactosidase-A., loss of function.

Submissions (3):

Genomenon, Inc
Classification: Pathogenic for Fabry disease. Last evaluated: 2026-09-08. Review status: criteria provided, single submitter. Criteria: Genomenon Sequence Variant Interpretation Standards - Updated. Collection method: curation. Allele origin: germline. Affected: yes.
Comment: GLA p.Cys378Tyr (c.1133G>A) is a missense variant that changes the amino acid at codon 378 from Cysteine to Tyrosine. This variant has been observed in at least one proband with clinical features consistent with Fabry disease (PMID:31770509;30371172;19808286;27585509;12920095;26047621;36140787;15313943;28069318;10666480). The variant was found to segregate with disease in at least one affected family (PMID:36140787). At least one functional study has demonstrated a substantial alteration in protein function relative to the wild-type (PMID:27657681). This variant is located in a mutational hotspot and/or important functional domain. It is absent or not present at a significant frequency in gnomAD. In silico models predict that this variant is possibly or probably damaging. In conclusion, we classify GLA p.Cys378Tyr (c.1133G>A) as a pathogenic variant.

Labcorp Genetics (formerly Invitae), Labcorp
Classification: Likely pathogenic for Fabry disease. Last evaluated: 2022-11-24. Review status: criteria provided, single submitter. Criteria: Invitae Variant Classification Sherloc (09022015). Collection method: clinical testing. Allele origin: germline.
Comment: In summary, the currently available evidence indicates that the variant is pathogenic, but additional data are needed to prove that conclusively. Therefore, this variant has been classified as Likely Pathogenic. This variant disrupts the p.Cys378 amino acid residue in GLA. Other variant(s) that disrupt this residue have been observed in individuals with GLA-related conditions (PMID: 23935525, 30386727), which suggests that this may be a clinically significant amino acid residue. Advanced modeling of protein sequence and biophysical properties (such as structural, functional, and spatial information, amino acid conservation, physicochemical variation, residue mobility, and thermodynamic stability) has been performed at Invitae for this missense variant, however the output from this modeling did not meet the statistical confidence thresholds required to predict the impact of this variant on GLA protein function. This missense change has been observed in individual(s) with Fabry disease (PMID: 10666480, 12920095, 26047621). This variant is not present in population databases (gnomAD no frequency). This sequence change replaces cysteine, which is neutral and slightly polar, with tyrosine, which is neutral and polar, at codon 378 of the GLA protein (p.Cys378Tyr).

Rady Children's Institute for Genomic Medicine, Rady Children's Hospital San Diego
Classification: Likely pathogenic for FABRY DISEASE. Review status: criteria provided, single submitter. Criteria: ACMG Guidelines, 2015. Collection method: clinical testing. Allele origin: germline. Affected: yes.
Comment: This variant has been previously reported as a heterozygous and hemizygous changes in patients with classical Fabry disease (PMID: 12920095, 10666480). It is absent from the gnomAD population database and thus is presumed to be rare. The c.1133G>A (p.Cys378Tyr) variant affects a highly conserved amino acid and is predicted by multiple in silico tools to have a deleterious effect on protein function. Based on the available evidence, the c.1133G>A (p.Cys378Tyr) variant is classified as Likely Pathogenic.

Literature cited by the submitters: PubMed 31770509 (cited by Genomenon, Inc); PubMed 30371172 (cited by Genomenon, Inc); PubMed 19808286 (cited by Genomenon, Inc); PubMed 27585509 (cited by Genomenon, Inc); PubMed 12920095 (cited by Genomenon, Inc and Labcorp Genetics (formerly Invitae), Labcorp); PubMed 26047621 (cited by Genomenon, Inc and Labcorp Genetics (formerly Invitae), Labcorp); PubMed 36140787 (cited by Genomenon, Inc); PubMed 15313943 (cited by Genomenon, Inc); PubMed 28069318 (cited by Genomenon, Inc); PubMed 10666480 (cited by Genomenon, Inc and Labcorp Genetics (formerly Invitae), Labcorp); PubMed 27657681 (cited by Genomenon, Inc); PubMed 23935525 (cited by Labcorp Genetics (formerly Invitae), Labcorp); PubMed 30386727 (cited by Labcorp Genetics (formerly Invitae), Labcorp).

NM_000169.3(GLA):c.1133G>A (p.Cys378Tyr)

Genes: GLA (galactosidase alpha; minus strand), RPL36A-HNRNPH2 (RPL36A-HNRNPH2 readthrough; plus strand). Cytogenetic location: Xq22.1.
Variant type: single nucleotide variant.
Coding change: c.1133G>A on transcript NM_000169.3 (MANE Select); coding-DNA position 1133, G replaced by A.
Protein change: p.Cys378Tyr; replaces cysteine 378 with tyrosine.
Molecular consequence: missense variant. On other transcripts: non-coding transcript variant (3), intron variant (2).
Genome position (GRCh38, 1-based): chrX:101,397,966, C>T on the plus strand (G>A on the coding strand, the complement: GLA is on the minus strand). VCF-style: chrX-101397966-C-T. GRCh37 (hg19) VCF-style: chrX-100652954-C-T.
Other names: c.1256G>A, p.Cys419Tyr (NM_001406747.1); c.300+2509C>T (NM_001199973.2); c.177+6144C>T (NM_001199974.2); short protein forms C378Y, C419Y.
Identifiers: ClinVar variation 2584496 (VCV002584496.6), dbSNP rs2520851123, ClinGen allele CA413920360.